The following is an entry in ClinVar:

ClinVar aggregate classification (germline): Uncertain significance (1 of 4 stars; one submission).

Conditions:
Cystic fibrosis (CF). Also called: MUCOVISCIDOSIS. Identifiers: Orphanet 586, MedGen C0010674, MONDO:0009061, OMIM 219700. Disease mechanism: loss of function.

gnomAD v4.1: 4 of 1,613,754 alleles (0.00025%); highest among the groups gnomAD compares: African/African-American, 0.0027%; no homozygotes.

Submission:

Ambry Genetics
Classification: Uncertain significance for Cystic fibrosis. Last evaluated: 2025-03-29. Review status: criteria provided, single submitter. Criteria: Ambry Variant Classification Scheme 2023. Collection method: clinical testing. Allele origin: germline.
Comment: The c.-1C>T variant is located in the 5' untranslated region (5&rsquo; UTR) of the CFTR gene. This variant results from a C to T substitution 1 bases upstream from the first translated codon. This nucleotide position is highly conserved in available vertebrate species. Based on the available evidence, the clinical significance of this variant remains unclear.

NM_000492.4(CFTR):c.-1C>T

Genes: CFTR (CF transmembrane conductance regulator; plus strand), LOC111674463 (CFTR promoter region; plus strand). Cytogenetic location: 7q31.2.
Variant type: single nucleotide variant.
Coding change: c.-1C>T on transcript NM_000492.4 (MANE Select); 1 bases upstream of the start codon, C replaced by T.
Molecular consequence: 5 prime UTR variant.
Genome position (GRCh38, 1-based): chr7:117,480,094, C>T. VCF-style: chr7-117480094-C-T. GRCh37 (hg19) VCF-style: chr7-117120148-C-T.
Identifiers: ClinVar variation 4001807 (VCV004001807.1).
Genomic context (GRCh38, chr7:117,480,094, plus strand): 5'-CTTTGGCATTAGGAGCTTGAGCCCAGACGGCCCTAGCAGGGACCCCAGCGCCCGAGAGAC[C>T]ATGCAGAGGTCGCCTCTGGAAAAGGCCAGCGTTGTCTCCAAACTTTTTTTCAGGTGAGAA-3'